The following is an entry in ClinVar:

NM_001844.5(COL2A1):c.2680-164A>G

Gene: COL2A1 (collagen type II alpha 1 chain; minus strand). Cytogenetic location: 12q13.11.
Variant type: single nucleotide variant.
Coding change: c.2680-164A>G on transcript NM_001844.5 (MANE Select); 164 bases into the intron before coding-DNA position 2680, A replaced by G.
Molecular consequence: intron variant.
Genome position (GRCh38, 1-based): chr12:47,979,728, T>C on the plus strand (A>G on the coding strand, the complement: COL2A1 is on the minus strand). VCF-style: chr12-47979728-T-C. GRCh37 (hg19) VCF-style: chr12-48373511-T-C.
Other names: c.2473-164A>G (NM_033150.3).
Identifiers: ClinVar variation 679441 (VCV000679441.1), dbSNP rs41272035, ClinGen allele CA236522579.
Genomic context (GRCh38, chr12:47,979,728, plus strand): 5'-GCGAGGGACTGCAAAGCAGCAAGGGGGATCCAGGGAGGGAGAAAGGGCCCCCGGGTCTGG[T>C]CATAGAAGCAGGCACAGGCTGTTTCCCTGCCTCCGGTTTCCACAGTCAGCACTTCAGGGA-3'

ClinVar aggregate classification (germline): Benign (1 of 4 stars; one submission).

Allele frequency attached by ClinVar (database versions not stated): gnomAD 0.02438 and 0.02602; TOPMed 0.02715; 1000 Genomes Project 0.02855; 1000 Genomes Project 30x 0.03107.
gnomAD v4.1: 3,668 of 152,132 alleles (2.4%); highest among the groups gnomAD compares: African/African-American, 8.3%; 185 homozygotes.

Submission:

GeneDx
Classification: Benign. Last evaluated: 2018-06-14. Review status: criteria provided, single submitter. Criteria: GeneDx Variant Classification (06012015). Collection method: clinical testing. Allele origin: germline. Affected: yes.
Comment: This variant is considered likely benign or benign based on one or more of the following criteria: it is a conservative change, it occurs at a poorly conserved position in the protein, it is predicted to be benign by multiple in silico algorithms, and/or has population frequency not consistent with disease.